The following is an entry in ClinVar:

NM_000781.3(CYP11A1):c.515dup (p.Asp172fs)

Gene: CYP11A1 (cytochrome P450 family 11 subfamily A member 1; minus strand). Cytogenetic location: 15q24.1.
Variant type: Duplication.
Coding change: c.515dup on transcript NM_000781.3 (MANE Select); coding-DNA position 515, one base duplicated (A; older notation c.515dupA).
Protein change: p.Asp172fs; shifts the reading frame from aspartic acid 172.
Molecular consequence: frameshift variant.
Genome position (GRCh38, 1-based): chr15:74,345,154, T duplicated on the plus strand (A on the coding strand, the reverse complement: CYP11A1 is on the minus strand). VCF-style (leftmost placement, unchanged base first): chr15-74345153-A-AT. GRCh37 (hg19) VCF-style: chr15-74637494-A-AT.
Other names: c.41dup, p.Asp14fs (NM_001099773.2); short protein forms D14fs, D172fs.
Identifiers: ClinVar variation 3617139 (VCV003617139.1).
Genomic context (GRCh38, chr15:74,345,153, plus strand): 5'-TCCGGAGCCCGCCTTCTTGATGCGCCTGTGCAGGACACTGACGAAGTCCCGAGACACTGC[A>AT]TCCAACAGGGGCAAAAAGTTCTTGGTGGCCTCTGGAGCCATCACCTCCTGGTTCAGGGCC-3'

ClinVar aggregate classification (germline): Pathogenic (1 of 4 stars; one submission).

Submission:

Labcorp Genetics (formerly Invitae), Labcorp
Classification: Pathogenic. Last evaluated: 2023-07-19. Review status: criteria provided, single submitter. Criteria: Invitae Variant Classification Sherloc (09022015). Collection method: clinical testing. Allele origin: germline.
Comment: For these reasons, this variant has been classified as Pathogenic. This sequence change creates a premature translational stop signal (p.Asp172Glufs*29) in the CYP11A1 gene. It is expected to result in an absent or disrupted protein product. Loss-of-function variants in CYP11A1 are known to be pathogenic (PMID: 15507506, 22435390, 27855232, 229968487). This variant is not present in population databases (gnomAD no frequency). This variant has not been reported in the literature in individuals affected with CYP11A1-related conditions.

Literature cited by the submitters: PubMed 15507506; PubMed 22435390; PubMed 27855232; PubMed 229968487.